The following is an entry in ClinVar:

ClinVar aggregate classification (germline): Uncertain significance (1 of 4 stars; one submission).

Conditions:
Hereditary cancer-predisposing syndrome. Also called: Hereditary Cancer Syndrome; Tumor predisposition; Hereditary neoplastic syndrome; Neoplastic Syndromes, Hereditary. Identifiers: Orphanet 140162, MedGen C0027672, MeSH D009386, MONDO:0015356.

Submission:

Ambry Genetics
Classification: Uncertain significance for Hereditary cancer-predisposing syndrome. Last evaluated: 2024-10-19. Review status: criteria provided, single submitter. Criteria: Ambry Variant Classification Scheme 2023. Collection method: clinical testing. Allele origin: germline.
Comment: The p.Y321H variant (also known as c.961T>C), located in coding exon 6 of the MEN1 gene, results from a T to C substitution at nucleotide position 961. The tyrosine at codon 321 is replaced by histidine, an amino acid with similar properties. This amino acid position is conserved. In addition, this alteration is predicted to be deleterious by in silico analysis. Based on the available evidence, the clinical significance of this variant remains unclear.

NM_001370259.2(MEN1):c.961T>C (p.Tyr321His)

Gene: MEN1 (menin 1; minus strand). Cytogenetic location: 11q13.1.
Variant type: single nucleotide variant.
Coding change: c.961T>C on transcript NM_001370259.2 (MANE Select); coding-DNA position 961, T replaced by C.
Protein change: p.Tyr321His; replaces tyrosine 321 with histidine.
Molecular consequence: missense variant. On other transcripts: non-coding transcript variant (4).
Genome position (GRCh38, 1-based): chr11:64,806,320, A>G on the plus strand (T>C on the coding strand, the complement: MEN1 is on the minus strand). VCF-style: chr11-64806320-A-G. GRCh37 (hg19) VCF-style: chr11-64573792-A-G.
Other names: c.976T>C, p.Tyr326His (NM_000244.4, NM_001407145.1, NM_001407150.1 and 5 more transcripts); c.961T>C, p.Tyr321His (NM_001370251.2, NM_001370260.2, NM_001370261.2 and 7 more transcripts); c.856T>C, p.Tyr286His (NM_001370262.2, NM_001370263.2, NM_001407148.1 and 2 more transcripts); short protein forms Y321H, Y326H, Y286H.
Identifiers: ClinVar variation 3394984 (VCV003394984.1).